The following is an entry in ClinVar:

NM_005876.5(SPEG):c.4940G>A (p.Arg1647Gln)

Gene: SPEG (striated muscle enriched protein kinase; plus strand). Cytogenetic location: 2q35.
Variant type: single nucleotide variant.
Coding change: c.4940G>A on transcript NM_005876.5 (MANE Select); coding-DNA position 4940, G replaced by A.
Protein change: p.Arg1647Gln; replaces arginine 1647 with glutamine.
Molecular consequence: missense variant.
Genome position (GRCh38, 1-based): chr2:219,478,018, G>A. VCF-style: chr2-219478018-G-A. GRCh37 (hg19) VCF-style: chr2-220342740-G-A.
Other names: c.4940G>A (NM_005876.4); short protein forms R1647Q.
Identifiers: ClinVar variation 2192562 (VCV002192562.6), dbSNP rs779131208, ClinGen allele CA2126679.

ClinVar aggregate classification (germline): Uncertain significance. Review status: criteria provided, multiple submitters, no conflicts (2 of 4 stars). 2 submissions from 2 submitters: Uncertain significance (2). Last evaluated 2025-08-08.

Conditions:
Inborn genetic diseases. Identifiers: MedGen C0950123, MeSH D030342.

Allele frequency attached by ClinVar (database versions not stated): TOPMed 0.00001; ExAC 0.00002.
gnomAD v4.1: 17 of 1,614,174 alleles (0.0011%); highest among the groups gnomAD compares: East Asian, 0.0089%; no homozygotes.

Submissions (2):

Ambry Genetics
Classification: Uncertain significance for Inborn genetic diseases. Last evaluated: 2025-08-08. Review status: criteria provided, single submitter. Criteria: Ambry Variant Classification Scheme 2023. Collection method: clinical testing. Allele origin: germline.

Labcorp Genetics (formerly Invitae), Labcorp
Classification: Uncertain significance. Last evaluated: 2023-07-10. Review status: criteria provided, single submitter. Criteria: Invitae Variant Classification Sherloc (09022015). Collection method: clinical testing. Allele origin: germline.
Comment: An algorithm developed to predict the effect of missense changes on protein structure and function (PolyPhen-2) suggests that this variant¬†is likely to be tolerated. In summary, the available evidence is currently insufficient to determine the role of this variant in disease. Therefore, it has been classified as a Variant of Uncertain Significance. ClinVar contains an entry for this variant (Variation ID: 2192562). This variant has not been reported in the literature in individuals affected with SPEG-related conditions. This variant is present in population databases (rs779131208, gnomAD 0.006%). This sequence change replaces arginine, which is basic and polar, with glutamine, which is neutral and polar, at codon 1647 of the SPEG protein (p.Arg1647Gln).